The following is an entry in ClinVar:

NM_006567.5(FARS2):c.224G>T (p.Gly75Val)

Genes: FARS2 (phenylalanyl-tRNA synthetase 2, mitochondrial; plus strand), LOC126859565 (CDK7 strongly-dependent group 2 enhancer GRCh37_chr6:5368745-5369944; plus strand). Cytogenetic location: 6p25.1.
Variant type: single nucleotide variant.
Coding change: c.224G>T on transcript NM_006567.5 (MANE Select); coding-DNA position 224, G replaced by T.
Protein change: p.Gly75Val; replaces glycine 75 with valine.
Molecular consequence: missense variant. On other transcripts: intron variant (2).
Genome position (GRCh38, 1-based): chr6:5,368,794, G>T. VCF-style: chr6-5368794-G-T. GRCh37 (hg19) VCF-style: chr6-5369027-G-T.
Other names: c.224G>T, p.Gly75Val (NM_001318872.2, NM_001374875.1, NM_001374876.1 and 5 more transcripts); c.-340-27839G>T (NM_001375260.1); c.-84-35748G>T (NM_001375259.1); short protein forms G75V.
Identifiers: ClinVar variation 1519844 (VCV001519844.8), dbSNP rs367691523, ClinGen allele CA3623610.

ClinVar aggregate classification (germline): Uncertain significance (1 of 4 stars; one submission).

Conditions:
Combined oxidative phosphorylation defect type 14. Also called: Combined oxidative phosphorylation deficiency 14. Identifiers: Orphanet 319519, MedGen C4755312, MONDO:0013986, OMIM 614946.

Allele frequency attached by ClinVar (database versions not stated): gnomAD exomes below 0.00001; ExAC 0.00001; gnomAD 0.00001; ESP Exome Variant Server 0.00008.
gnomAD v4.1: 1 of 1,614,060 alleles (0.000062%); highest among the groups gnomAD compares: Non-Finnish European, 0.000085%; no homozygotes.

Submission:

Labcorp Genetics (formerly Invitae), Labcorp
Classification: Uncertain significance for Combined oxidative phosphorylation defect type 14. Last evaluated: 2021-03-25. Review status: criteria provided, single submitter. Criteria: Invitae Variant Classification Sherloc (09022015). Collection method: clinical testing. Allele origin: germline.
Comment: This sequence change replaces glycine with valine at codon 75 of the FARS2 protein (p.Gly75Val). The glycine residue is moderately conserved and there is a moderate physicochemical difference between glycine and valine. In summary, the available evidence is currently insufficient to determine the role of this variant in disease. Therefore, it has been classified as a Variant of Uncertain Significance. Advanced modeling of protein sequence and biophysical properties (such as structural, functional, and spatial information, amino acid conservation, physicochemical variation, residue mobility, and thermodynamic stability) performed at Invitae indicates that this missense variant is expected to disrupt FARS2 protein function. This variant has not been reported in the literature in individuals with FARS2-related conditions. This variant is present in population databases (rs367691523, ExAC 0.002%).